The following is an entry in ClinVar:

NM_001375524.1(TRRAP):c.10165G>A (p.Val3389Met)

Gene: TRRAP (transformation/transcription domain associated protein; plus strand). Cytogenetic location: 7q22.1.
Variant type: single nucleotide variant.
Coding change: c.10165G>A on transcript NM_001375524.1 (MANE Select); coding-DNA position 10165, G replaced by A.
Protein change: p.Val3389Met; replaces valine 3389 with methionine.
Molecular consequence: missense variant.
Genome position (GRCh38, 1-based): chr7:98,994,704, G>A. VCF-style: chr7-98994704-G-A. GRCh37 (hg19) VCF-style: chr7-98592327-G-A.
Other names: c.10123G>A, p.Val3375Met (NM_001244580.2); c.10036G>A, p.Val3346Met (NM_003496.4); short protein forms V3389M, V3346M, V3375M.
Identifiers: ClinVar variation 4088227 (VCV004088227.1).

ClinVar aggregate classification (germline): Uncertain significance (1 of 4 stars; one submission).

Submission:

GeneDx
Classification: Uncertain significance. Last evaluated: 2025-03-17. Review status: criteria provided, single submitter. Criteria: GeneDx Variant Classification Process June 2021. Collection method: clinical testing. Allele origin: germline. Affected: yes.
Comment: Not observed at significant frequency in large population cohorts (gnomAD); In silico analysis indicates that this missense variant does not alter protein structure/function; Has not been previously published as pathogenic or benign to our knowledge